The following is an entry in ClinVar:

NC_000007.14:g.156789612_156789615del

Genes: LMBR1 (limb development membrane protein 1; minus strand), SHH (sonic hedgehog signaling molecule; minus strand). Cytogenetic location: 7q36.3.
Variant type: Deletion.
Molecular consequence: intron variant (on NM_022458.4).
Genome position: GRCh38 VCF-style: chr7-156789608-GAATA-G. GRCh37 (hg19) VCF-style: chr7-156582302-GAATA-G.
Other names: c.360+6777_360+6780del (NM_001363412.2); c.144+6777_144+6780del (NM_001350954.2); c.423+6777_423+6780del (NM_001363410.2, NM_022458.4, NM_001363409.2 and 1 more transcripts); c.-112+6777_-112+6780del (NM_001350958.2, NM_001350956.2, NM_001350955.2 and 1 more transcripts); c.54+6777_54+6780del (NM_001350957.2, NM_001363411.2).
Identifiers: ClinVar variation 3680495 (VCV003680495.2).

ClinVar aggregate classification (germline): Uncertain significance (1 of 4 stars; one submission).

Conditions:
Holoprosencephaly 3 (HPE3). Identifiers: Orphanet 2162, MedGen C1840529, MONDO:0007733, OMIM 142945.

Submission:

Labcorp Genetics (formerly Invitae), Labcorp
Classification: Uncertain significance for Holoprosencephaly 3. Last evaluated: 2024-02-04. Review status: criteria provided, single submitter. Criteria: Invitae Variant Classification Sherloc (09022015). Collection method: clinical testing. Allele origin: germline.
Comment: This variant occurs in a non-coding region of the SHH gene. It does not change the encoded amino acid sequence of the SHH protein. This variant is not present in population databases (gnomAD no frequency). This variant has not been reported in the literature in individuals affected with SHH-related conditions. Experimental studies and prediction algorithms are not available or were not evaluated, and the effect of this variant on mRNA splicing is currently unknown. In summary, the available evidence is currently insufficient to determine the role of this variant in disease. Therefore, it has been classified as a Variant of Uncertain Significance.